The following is an entry in ClinVar:

NM_024747.6(HPS6):c.238dup (p.Asp80fs)

Genes: HPS6 (HPS6 biogenesis of lysosomal organelles complex 2 subunit 3; plus strand), LOC130004578 (ATAC-STARR-seq lymphoblastoid silent region 2738; plus strand). Cytogenetic location: 10q24.32.
Variant type: Duplication.
Coding change: c.238dup on transcript NM_024747.6 (MANE Select); coding-DNA position 238, one base duplicated (G; older notation c.238dupG).
Protein change: p.Asp80fs; shifts the reading frame from aspartic acid 80.
Molecular consequence: frameshift variant.
Genome position (GRCh38, 1-based): chr10:102,065,712, G duplicated; the last of 2 consecutive G bases (chr10:102,065,711-102,065,712); duplicating either gives the same sequence. VCF-style (leftmost placement, unchanged base first): chr10-102065710-T-TG. GRCh37 (hg19) VCF-style: chr10-103825467-T-TG.
Other names: c.238dupG (NM_024747.5); short protein forms D80fs.
Identifiers: ClinVar variation 208586 (VCV000208586.22), dbSNP rs281865108, ClinGen allele CA276007.
Genomic context (GRCh38, chr10:102,065,710, plus strand): 5'-CGTCGCGAGGGCCCGGCGCGGAGCTAGAGCGGGCCTGGCCGGCCGGCCAGCCCTCCCCGC[T>TG]GGACGCCTTCTTCCTGCCGTGGCCAGCGCGGCCGGCGCTGGTGCTGGTGTGGGAGAGTGG-3'

ClinVar aggregate classification (germline): Pathogenic/Likely pathogenic. Review status: criteria provided, multiple submitters, no conflicts (2 of 4 stars). 6 submissions from 6 submitters: Pathogenic (3); Likely pathogenic (2). 1 of the submissions does not count toward it. Last evaluated 2026-01-06.

Conditions:
Hermansky-Pudlak syndrome (HPS). Also called: ALBINISM WITH HEMORRHAGIC DIATHESIS AND PIGMENTED RETICULOENDOTHELIAL CELLS. Identifiers: Orphanet 79430, MedGen C0079504, MONDO:0019312.
Hermansky-Pudlak syndrome 6 (HPS6). Identifiers: Orphanet 231512, Orphanet 79430, MedGen C3888007, MONDO:0013558, OMIM 614075.

Submissions (6):

Labcorp Genetics (formerly Invitae), Labcorp
Classification: Pathogenic. Last evaluated: 2026-01-06. Review status: criteria provided, single submitter. Criteria: Invitae Variant Classification Sherloc (09022015). Collection method: clinical testing. Allele origin: germline.
Comment: This sequence change creates a premature translational stop signal (p.Asp80Glyfs*96) in the HPS6 gene. While this is not anticipated to result in nonsense mediated decay, it is expected to disrupt the last 696 amino acid(s) of the HPS6 protein. The frequency data for this variant in the population databases is considered unreliable, as metrics indicate poor data quality at this position in the gnomAD database. This premature translational stop signal has been observed in individual(s) with Hermansky-Pudlak syndrome (PMID: 19843503). ClinVar contains an entry for this variant (Variation ID: 208586). This variant disrupts a region of the HPS6 protein in which other variant(s) (p.Leu356Alafs*11) have been determined to be pathogenic (PMID: 17041891). This suggests that this is a clinically significant region of the protein, and that variants that disrupt it are likely to be disease-causing. For these reasons, this variant has been classified as Pathogenic.

GeneDx
Classification: Likely pathogenic. Last evaluated: 2025-05-28. Review status: criteria provided, single submitter. Criteria: GeneDx Variant Classification Process June 2021. Collection method: clinical testing. Allele origin: germline.
Comment: Observed with a second HPS6 variant in patients with features suggestive of Hermansky-Pudlak syndrome in published literature, but detailed clinical information and additional genetic testing results were not provided in some cases (PMID: 19843503, 31064749, 33612058); Frameshift variant predicted to result in abnormal protein length as the last 696 amino acid(s) are replaced with 95 different amino acid(s), and other similar variants have been reported in HGMD; This variant is associated with the following publications: (PMID: 30369044, 12548288, 17041891, 38091959, 31064749, 33612058, 31898847, 19843503, 37647632)

Fulgent Genetics
Classification: Pathogenic for Hermansky-Pudlak syndrome 6. Last evaluated: 2024-05-09. Review status: criteria provided, single submitter. Criteria: ACMG Guidelines, 2015. Collection method: clinical testing. Allele origin: germline.

NIHR Bioresource Rare Diseases, University of Cambridge
Classification: Pathogenic for Hermansky-Pudlak syndrome. Last evaluated: 2019-02-01. Review status: criteria provided, single submitter. Criteria: ACMG Guidelines, 2015. Collection method: research. Allele origin: unknown. Affected: yes. Observed: 1 compound heterozygote. Study: ThromboGenomics.

Laboratory for Molecular Medicine, Mass General Brigham Personalized Medicine
Classification: Likely pathogenic for Hermansky-Pudlak syndrome 6. Last evaluated: 2015-02-26. Review status: criteria provided, single submitter. Criteria: LMM Criteria. Collection method: clinical testing. Allele origin: germline. Inheritance: Autosomal recessive inheritance. Observed: 1 variant allele. Study: CSER-MedSeq.
Comment: The p.Asp80GlyfsX96 variant in HPS6 has been reported in 1 compound heterozygous individual with clinical features of Hermansky-Pudlak syndrome (Huizing 2009). Data from large population studies is insufficient to assess the frequency of this variant. This variant is predicted to cause a frameshift, which alters the protein’s amino acid sequence beginning at position 80 and leads to a premature termination codon 96 amino acids downstream. This alteration is then predicted to lead to a truncated or absent protein. Truncating HPS6 variants have been identified in several homozygous and compound heterozygous individuals with Hermansky-Pudlak syndrome (Zhang 2003, Huizing 2009). In summary, although additional studies are required to fully establish its clinical significance, this variant is likely pathogenic.

OMIM
Classification: Pathogenic for HERMANSKY-PUDLAK SYNDROME 6. Last evaluated: 2009-12-01. Review status: no assertion criteria provided. Collection method: literature only. Allele origin: germline. Not counted in ClinVar's aggregate classification.

Literature cited by the submitters: PubMed 19843503 (cited by 3 submitters); PubMed 17041891 (cited by Labcorp Genetics (formerly Invitae), Labcorp and Laboratory for Molecular Medicine, Mass General Brigham Personalized Medicine); PubMed 31064749 (cited by NIHR Bioresource Rare Diseases, University of Cambridge); PubMed 12548288 (cited by Laboratory for Molecular Medicine, Mass General Brigham Personalized Medicine).